The following is an entry in ClinVar:

ClinVar aggregate classification (germline): Uncertain significance (1 of 4 stars; one submission).

Submission:

Labcorp Genetics (formerly Invitae), Labcorp
Classification: Uncertain significance. Last evaluated: 2023-10-04. Review status: criteria provided, single submitter. Criteria: Invitae Variant Classification Sherloc (09022015). Collection method: clinical testing. Allele origin: germline.
Comment: This sequence change replaces lysine, which is basic and polar, with arginine, which is basic and polar, at codon 180 of the SRP54 protein (p.Lys180Arg). This variant is not present in population databases (gnomAD no frequency). This variant has not been reported in the literature in individuals affected with SRP54-related conditions. Advanced modeling of protein sequence and biophysical properties (such as structural, functional, and spatial information, amino acid conservation, physicochemical variation, residue mobility, and thermodynamic stability) performed at Invitae indicates that this missense variant is not expected to disrupt SRP54 protein function. In summary, the available evidence is currently insufficient to determine the role of this variant in disease. Therefore, it has been classified as a Variant of Uncertain Significance.

NM_003136.4(SRP54):c.539A>G (p.Lys180Arg)

Gene: SRP54 (signal recognition particle 54; plus strand). Cytogenetic location: 14q13.2.
Variant type: single nucleotide variant.
Coding change: c.539A>G on transcript NM_003136.4 (MANE Select); coding-DNA position 539, A replaced by G.
Protein change: p.Lys180Arg; replaces lysine 180 with arginine.
Molecular consequence: missense variant.
Genome position (GRCh38, 1-based): chr14:35,011,562, A>G. VCF-style: chr14-35011562-A-G. GRCh37 (hg19) VCF-style: chr14-35480768-A-G.
Other names: c.392A>G, p.Lys131Arg (NM_001146282.2); c.539A>G, p.Lys180Arg (NM_001411017.1); short protein forms K131R, K180R.
Identifiers: ClinVar variation 2800630 (VCV002800630.3), dbSNP rs2502754825, ClinGen allele CA389441230.